The following is an entry in ClinVar:

NM_015910.7(WDPCP):c.1011G>C (p.Lys337Asn)

Gene: WDPCP (WD repeat containing planar cell polarity effector; minus strand). Cytogenetic location: 2p15.
Variant type: single nucleotide variant.
Coding change: c.1011G>C on transcript NM_015910.7 (MANE Select); coding-DNA position 1011, G replaced by C.
Protein change: p.Lys337Asn; replaces lysine 337 with asparagine.
Molecular consequence: missense variant. On other transcripts: non-coding transcript variant (3).
Genome position (GRCh38, 1-based): chr2:63,404,472, C>G on the plus strand (G>C on the coding strand, the complement: WDPCP is on the minus strand). VCF-style: chr2-63404472-C-G. GRCh37 (hg19) VCF-style: chr2-63631607-C-G.
Other names: c.534G>C, p.Lys178Asn (NM_001042692.3); c.939G>C, p.Lys313Asn (NM_001354044.2); c.1011G>C, p.Lys337Asn (NM_001354045.2); short protein forms K178N, K313N, K337N.
Identifiers: ClinVar variation 981526 (VCV000981526.1), dbSNP rs1694406253, ClinGen allele CA347065333.

ClinVar aggregate classification (germline): Uncertain significance (1 of 4 stars; one submission).

Conditions:
Bardet-Biedl syndrome 15 (BBS15). Identifiers: Orphanet 110, MedGen C3150127, MONDO:0014443, OMIM 615992.

gnomAD v4.1: 14 of 1,614,146 alleles (0.00087%); highest among the groups gnomAD compares: African/African-American, 0.0013%; no homozygotes.

Submission:

Johns Hopkins Genomics, Johns Hopkins University
Classification: Uncertain significance for Bardet-Biedl syndrome 15. Last evaluated: 2020-09-16. Review status: criteria provided, single submitter. Criteria: ACMG Guidelines, 2015. Collection method: clinical testing. Allele origin: germline.
Comment: This WDPCP variant is absent from a large population dataset and has not been reported in ClinVar nor the literature, to our knowledge. Three bioinformatic tools queried predict that this substitution would be totlerated, and the lysine residue at this position is poorly evolutionarily conserved across the species assessed. Due to insufficient evidence, we consider the clinical significance of c.1011G>C to be uncertain at this time.